The following is an entry in ClinVar:

NM_020232.5(PSMG2):c.686A>G (p.Gln229Arg)

Gene: PSMG2 (proteasome assembly chaperone 2; plus strand). Cytogenetic location: 18p11.21.
Variant type: single nucleotide variant.
Coding change: c.686A>G on transcript NM_020232.5 (MANE Select); coding-DNA position 686, A replaced by G.
Protein change: p.Gln229Arg; replaces glutamine 229 with arginine.
Molecular consequence: missense variant.
Genome position (GRCh38, 1-based): chr18:12,724,603, A>G. VCF-style: chr18-12724603-A-G. GRCh37 (hg19) VCF-style: chr18-12724602-A-G.
Other names: c.593A>G, p.Gln198Arg (NM_147163.2); short protein forms Q229R, Q198R.
Identifiers: ClinVar variation 1392312 (VCV001392312.8), dbSNP rs2145154776, ClinGen allele CA401970933.

ClinVar aggregate classification (germline): Uncertain significance (1 of 4 stars; one submission).

Submission:

Labcorp Genetics (formerly Invitae), Labcorp
Classification: Uncertain significance. Last evaluated: 2024-06-13. Review status: criteria provided, single submitter. Criteria: Invitae Variant Classification Sherloc (09022015). Collection method: clinical testing. Allele origin: germline.
Comment: This sequence change replaces glutamine, which is neutral and polar, with arginine, which is basic and polar, at codon 229 of the PSMG2 protein (p.Gln229Arg). This variant is not present in population databases (gnomAD no frequency). This variant has not been reported in the literature in individuals affected with PSMG2-related conditions. ClinVar contains an entry for this variant (Variation ID: 1392312). An algorithm developed to predict the effect of missense changes on protein structure and function (PolyPhen-2) suggests that this variant is likely to be tolerated. In summary, the available evidence is currently insufficient to determine the role of this variant in disease. Therefore, it has been classified as a Variant of Uncertain Significance.